The following is an entry in ClinVar:

ClinVar aggregate classification (germline): Uncertain significance (1 of 4 stars; one submission).

Conditions:
Dilated cardiomyopathy 1O (CMD1O). Also called: CARDIOMYOPATHY, DILATED, WITH VENTRICULAR TACHYCARDIA. Identifiers: Orphanet 154, MedGen C1837839, MONDO:0012062, OMIM 608569.

Allele frequency attached by ClinVar (database versions not stated): ExAC 0.00001; gnomAD 0.00001.
gnomAD v4.1: 3 of 1,611,728 alleles (0.00019%); highest among the groups gnomAD compares: Non-Finnish European, 0.00025%; no homozygotes.

Submission:

Labcorp Genetics (formerly Invitae), Labcorp
Classification: Uncertain significance for Dilated cardiomyopathy 1O. Last evaluated: 2021-12-29. Review status: criteria provided, single submitter. Criteria: Invitae Variant Classification Sherloc (09022015). Collection method: clinical testing. Allele origin: germline.
Comment: Variants that disrupt the consensus splice site are a relatively common cause of aberrant splicing (PMID: 17576681, 9536098). Algorithms developed to predict the effect of sequence changes on RNA splicing suggest that this variant is not likely to affect RNA splicing. This variant has not been reported in the literature in individuals affected with ABCC9-related conditions. This variant is present in population databases (rs758075581, gnomAD 0.0009%). This sequence change falls in intron 24 of the ABCC9 gene. It does not directly change the encoded amino acid sequence of the ABCC9 protein. It affects a nucleotide within the consensus splice site. In summary, the available evidence is currently insufficient to determine the role of this variant in disease. Therefore, it has been classified as a Variant of Uncertain Significance.

Literature cited by the submitters: PubMed 17576681; PubMed 9536098.

NM_020297.4(ABCC9):c.3096+6A>G

Gene: ABCC9 (ATP binding cassette subfamily C member 9; minus strand). Cytogenetic location: 12p12.1.
Variant type: single nucleotide variant.
Coding change: c.3096+6A>G on transcript NM_020297.4 (MANE Select); 6 bases into the intron after coding-DNA position 3096, A replaced by G.
Molecular consequence: intron variant.
Genome position (GRCh38, 1-based): chr12:21,845,597, T>C on the plus strand (A>G on the coding strand, the complement: ABCC9 is on the minus strand). VCF-style: chr12-21845597-T-C. GRCh37 (hg19) VCF-style: chr12-21998531-T-C.
Other names: c.2229+6A>G (NM_001377274.1); c.3096+6A>G (NM_005691.4, NM_001377273.1).
Identifiers: ClinVar variation 2174983 (VCV002174983.4), dbSNP rs758075581, ClinGen allele CA6481216.